The following is an entry in ClinVar:

ClinVar aggregate classification (germline): Uncertain significance (1 of 4 stars; one submission).

Submission:

Ambry Genetics
Classification: Uncertain significance. Last evaluated: 2022-09-12. Review status: criteria provided, single submitter. Criteria: Ambry Variant Classification Scheme 2023. Collection method: clinical testing. Allele origin: germline.
Comment: The p.L946V variant (also known as c.2836C>G), located in coding exon 16 of the PALLD gene, results from a C to G substitution at nucleotide position 2836. The leucine at codon 946 is replaced by valine, an amino acid with highly similar properties. This amino acid position is conserved. In addition, this alteration is predicted to be tolerated by in silico analysis. Since supporting evidence is limited at this time, the clinical significance of this alteration remains unclear.

NM_001166108.2(PALLD):c.2887C>G (p.Leu963Val)

Genes: CBR4 (carbonyl reductase 4; minus strand), PALLD (palladin, cytoskeletal associated protein; plus strand). Cytogenetic location: 4q32.3.
Variant type: single nucleotide variant.
Coding change: c.2887C>G on transcript NM_001166108.2 (MANE Select); coding-DNA position 2887, C replaced by G.
Protein change: p.Leu963Val; replaces leucine 963 with valine.
Molecular consequence: missense variant.
Genome position (GRCh38, 1-based): chr4:168,921,570, C>G. VCF-style: chr4-168921570-C-G. GRCh37 (hg19) VCF-style: chr4-169842721-C-G.
Other names: c.1690C>G, p.Leu564Val (NM_001166109.2); c.1375C>G, p.Leu459Val (NM_001166110.2); c.715C>G, p.Leu239Val (NM_001367567.1, NM_001367569.1); c.766C>G, p.Leu256Val (NM_001367568.1, NM_001367570.1); c.2836C>G, p.Leu946Val (NM_016081.4); short protein forms L459V, L946V, L963V, L256V, L564V, L239V.
Identifiers: ClinVar variation 1796644 (VCV001796644.2), dbSNP rs1221108877, ClinGen allele CA358708472.